The following is an entry in ClinVar:

ClinVar aggregate classification (germline): Uncertain significance (1 of 4 stars; one submission).

Conditions:
Severe combined immunodeficiency due to DNA-PKcs deficiency. Also called: Immunodeficiency 26 with or without neurologic abnormalities; IMMUNODEFICIENCY 26 WITH NEUROLOGIC ABNORMALITIES. Identifiers: Orphanet 317425, MedGen C4014833, MONDO:0014423, OMIM 615966.

Allele frequency attached by ClinVar (database versions not stated): gnomAD exomes below 0.00001; TOPMed below 0.00001; gnomAD 0.00001.
gnomAD v4.1: 2 of 1,613,842 alleles (0.00012%); highest among the groups gnomAD compares: Non-Finnish European, 0.00017%; no homozygotes.

Submission:

Labcorp Genetics (formerly Invitae), Labcorp
Classification: Uncertain significance for Severe combined immunodeficiency due to DNA-PKcs deficiency. Last evaluated: 2023-08-04. Review status: criteria provided, single submitter. Criteria: Invitae Variant Classification Sherloc (09022015). Collection method: clinical testing. Allele origin: germline.
Comment: In summary, the available evidence is currently insufficient to determine the role of this variant in disease. Therefore, it has been classified as a Variant of Uncertain Significance. Advanced modeling of protein sequence and biophysical properties (such as structural, functional, and spatial information, amino acid conservation, physicochemical variation, residue mobility, and thermodynamic stability) has been performed at Invitae for this missense variant, however the output from this modeling did not meet the statistical confidence thresholds required to predict the impact of this variant on PRKDC protein function. ClinVar contains an entry for this variant (Variation ID: 942386). This variant has not been reported in the literature in individuals affected with PRKDC-related conditions. This variant is not present in population databases (gnomAD no frequency). This sequence change replaces leucine, which is neutral and non-polar, with arginine, which is basic and polar, at codon 3254 of the PRKDC protein (p.Leu3254Arg).

NM_006904.7(PRKDC):c.9761T>G (p.Leu3254Arg)

Gene: PRKDC (protein kinase, DNA-activated, catalytic subunit; minus strand). Cytogenetic location: 8q11.21.
Variant type: single nucleotide variant.
Coding change: c.9761T>G on transcript NM_006904.7 (MANE Select); coding-DNA position 9761, T replaced by G.
Protein change: p.Leu3254Arg; replaces leucine 3254 with arginine.
Molecular consequence: missense variant.
Genome position (GRCh38, 1-based): chr8:47,803,467, A>C on the plus strand (T>G on the coding strand, the complement: PRKDC is on the minus strand). VCF-style: chr8-47803467-A-C. GRCh37 (hg19) VCF-style: chr8-48716028-A-C.
Other names: c.9761T>G, p.Leu3254Arg (NM_001081640.2); short protein forms L3254R.
Identifiers: ClinVar variation 942386 (VCV000942386.5), dbSNP rs2087152009, ClinGen allele CA371136899.